The following is an entry in ClinVar:

NM_000124.4(ERCC6):c.1170_1171dup (p.Ala391fs)

Genes: ERCC6 (ERCC excision repair 6, chromatin remodeling factor; minus strand), PGBD3 (piggyBac transposable element derived 3; minus strand). Cytogenetic location: 10q11.23.
Variant type: Duplication.
Coding change: c.1170_1171dup on transcript NM_000124.4 (MANE Select); coding-DNA positions 1170 to 1171, 2 bases duplicated (GG; older notation c.1170_1171dupGG).
Protein change: p.Ala391fs; shifts the reading frame from alanine 391.
Molecular consequence: frameshift variant. On other transcripts: 5 prime UTR variant (1).
Genome position (GRCh38, 1-based): chr10:49,524,259-49,524,260, CC duplicated on the plus strand (GG on the coding strand, the reverse complement: ERCC6 is on the minus strand); duplicating any 2 consecutive bases within chr10:49,524,259-49,524,263 gives the same sequence; the c. name uses the placement nearest the transcript's 3' end. VCF-style (leftmost placement, unchanged base first): chr10-49524258-G-GCC. GRCh37 (hg19) VCF-style: chr10-50732304-G-GCC.
Other names: c.1170_1171dup, p.Ala391fs (NM_001277058.2, NM_001277059.2, NM_001346440.2); c.-235_-234dup (NM_170753.3); short protein forms A391fs.
Identifiers: ClinVar variation 5012997 (VCV005012997.1).

ClinVar aggregate classification (germline): Pathogenic (1 of 4 stars; one submission).

Conditions:
Cockayne spectrum with or without cerebrooculofacioskeletal syndrome. Identifiers: MedGen CN315928, MONDO:0100506.

Submission:

Myriad Genetics, Inc.
Classification: Pathogenic for Cockayne spectrum with or without cerebrooculofacioskeletal syndrome. Last evaluated: 2024-05-03. Review status: criteria provided, single submitter. Criteria: Myriad Autosomal Dominant, Autosomal Recessive and X-Linked Classification Criteria (2023). Collection method: clinical testing. Allele origin: unknown.
Comment: NM_000124.2(ERCC6):c.1170_1171dupGG(A391Gfs*15) is expected to be pathogenic in the context of ERCC6-related disorders. This variant is predicted to lead to an abnormal or absent protein product due to the creation of a premature termination codon in ERCC6, a gene where loss-of-function variants are known to be pathogenic. Please note: this variant was assessed in the context of healthy population screening.